The following is an entry in ClinVar:

ClinVar aggregate classification (germline): Uncertain significance (1 of 4 stars; one submission).

gnomAD v4.1: 2 of 1,613,826 alleles (0.00012%); highest among the groups gnomAD compares: Admixed American, 0.0033%; no homozygotes.

Submission:

Labcorp Genetics (formerly Invitae), Labcorp
Classification: Uncertain significance. Last evaluated: 2025-06-16. Review status: criteria provided, single submitter. Criteria: Invitae Variant Classification Sherloc (09022015). Collection method: clinical testing. Allele origin: germline.
Comment: This sequence change replaces cysteine, which is neutral and slightly polar, with arginine, which is basic and polar, at codon 2342 of the DCHS1 protein (p.Cys2342Arg). This variant is present in population databases (no rsID available, gnomAD 0.006%). This variant has not been reported in the literature in individuals affected with DCHS1-related conditions. ClinVar contains an entry for this variant (Variation ID: 3612980). Invitae Evidence Modeling of protein sequence and biophysical properties (such as structural, functional, and spatial information, amino acid conservation, physicochemical variation, residue mobility, and thermodynamic stability) indicates that this missense variant is not expected to disrupt DCHS1 protein function with a negative predictive value of 80%. In summary, the available evidence is currently insufficient to determine the role of this variant in disease. Therefore, it has been classified as a Variant of Uncertain Significance.

NM_003737.4(DCHS1):c.7024T>C (p.Cys2342Arg)

Gene: DCHS1 (dachsous cadherin-related 1; minus strand). Cytogenetic location: 11p15.4.
Variant type: single nucleotide variant.
Coding change: c.7024T>C on transcript NM_003737.4 (MANE Select); coding-DNA position 7024, T replaced by C.
Protein change: p.Cys2342Arg; replaces cysteine 2342 with arginine.
Molecular consequence: missense variant.
Genome position (GRCh38, 1-based): chr11:6,625,320, A>G on the plus strand (T>C on the coding strand, the complement: DCHS1 is on the minus strand). VCF-style: chr11-6625320-A-G. GRCh37 (hg19) VCF-style: chr11-6646551-A-G.
Other names: short protein forms C2342R.
Identifiers: ClinVar variation 3612980 (VCV003612980.2).
Genomic context (GRCh38, chr11:6,625,320, plus strand): 5'-GGTTGGCACGGCCCTCATGAGGCCCATCATGTGCCAGCAGCTGCAGCTGGTAGCGGTCAC[A>G]CTGCTCAAAGTCCAGGGGCCCCGTGAGGGAGACACGGCCTCCATAGCGGCCAACACTGAA-3'
Protein context (NP_003728.1, residues 2332-2352): SLTGPLDFEQ[Cys2342Arg]DRYQLQLLAH